The following is an entry in ClinVar:

NM_006767.4(LZTR1):c.1016A>T (p.Glu339Val)

Gene: LZTR1 (leucine zipper like post translational regulator 1; plus strand). Cytogenetic location: 22q11.21.
Variant type: single nucleotide variant.
Coding change: c.1016A>T on transcript NM_006767.4 (MANE Select); coding-DNA position 1016, A replaced by T.
Protein change: p.Glu339Val; replaces glutamic acid 339 with valine.
Molecular consequence: missense variant.
Genome position (GRCh38, 1-based): chr22:20,992,236, A>T. VCF-style: chr22-20992236-A-T. GRCh37 (hg19) VCF-style: chr22-21346525-A-T.
Other names: short protein forms E339V.
Identifiers: ClinVar variation 3238000 (VCV003238000.1), dbSNP rs2518617942.

ClinVar aggregate classification (germline): Uncertain significance (1 of 4 stars; one submission).

Conditions:
Hereditary cancer-predisposing syndrome. Also called: Neoplastic Syndromes, Hereditary; Tumor predisposition; Hereditary neoplastic syndrome; Hereditary Cancer Syndrome. Identifiers: Orphanet 140162, MedGen C0027672, MeSH D009386, MONDO:0015356.
Cardiovascular phenotype. Identifiers: MedGen CN230736.

Submission:

Ambry Genetics
Classification: Uncertain significance for Cardiovascular phenotype; Hereditary cancer-predisposing syndrome. Last evaluated: 2024-03-01. Review status: criteria provided, single submitter. Criteria: Ambry Variant Classification Scheme 2023. Collection method: clinical testing. Allele origin: germline.
Comment: The p.E339V variant (also known as c.1016A>T), located in coding exon 10 of the LZTR1 gene, results from an A to T substitution at nucleotide position 1016. The glutamic acid at codon 339 is replaced by valine, an amino acid with dissimilar properties. This amino acid position is conserved. In addition, this alteration is predicted to be tolerated by in silico analysis. Based on the available evidence, the clinical significance of this alteration remains unclear.